The following is an entry in ClinVar:

NM_001387777.1(TNS1):c.2327AGC[10] (p.Gln784_Pro785insGln)

Gene: TNS1 (tensin 1; minus strand). Cytogenetic location: 2q35.
Variant type: Microsatellite.
Coding change: c.2327AGC[10] on transcript NM_001387777.1 (MANE Select); ten copies in a row of the 3-base unit AGC starting at c.2327; the reference has nine copies in a row; one copy, 3 bases duplicated.
Protein change: p.Gln784_Pro785insGln.
Genome position (GRCh38, 1-based): chr2:217,848,164-217,848,166, GCT duplicated on the plus strand (AGC on the coding strand, the reverse complement: TNS1 is on the minus strand); duplicating any 3 consecutive bases within chr2:217,848,164-217,848,192 gives the same sequence; the position shown is the placement nearest the transcript's 3' end. VCF-style (leftmost placement, unchanged base first): chr2-217848163-G-GGCT. GRCh37 (hg19) VCF-style: chr2-218712886-G-GGCT.
Other names: c.1952AGC[10], p.Gln659_Pro660insGln (NM_001308022.2, NM_001308023.2, NM_022648.7).
Identifiers: ClinVar variation 3039725 (VCV003039725.2), dbSNP rs3839056, ClinGen allele CA2100257.

ClinVar aggregate classification (germline): Benign (0 of 4 stars; one submission).

Conditions:
TNS1-related disorder. Also called: TNS1-related condition.

Submission:

PreventionGenetics, part of Exact Sciences
Classification: Benign for TNS1-related condition. Last evaluated: 2019-02-27. Review status: no assertion criteria provided. Collection method: clinical testing. Allele origin: germline.
Comment: This variant is classified as benign based on ACMG/AMP sequence variant interpretation guidelines (Richards et al. 2015 PMID: 25741868, with internal and published modifications).